The following is an entry in ClinVar:

ClinVar aggregate classification (germline): Likely benign. Review status: criteria provided, single submitter (1 of 4 stars). 2 submissions from 2 submitters: Likely benign (1). 1 of the submissions does not count toward it. Last evaluated 2026-01-17.

Conditions:
MCCC2-related disorder. Also called: MCCC2-related condition.
3-methylcrotonyl-CoA carboxylase 2 deficiency. Also called: METHYLCROTONYLGLYCINURIA, TYPE II; 3 alpha methylcrotonyl-CoA carboxylase 2 deficiency; 3 alpha methylcrotonylglycinuria 2; MCC 2 deficiency; Methylcrotonylglycinuria type 2. Identifiers: Orphanet 6, MedGen C1859499, MONDO:0008862, OMIM 210210.

Allele frequency attached by ClinVar (database versions not stated): gnomAD 0.00012 and 0.00018; TOPMed 0.00017; gnomAD exomes 0.00021 and 0.00036; ESP Exome Variant Server 0.00031; ExAC 0.00035; 1000 Genomes Project 30x 0.00047; 1000 Genomes Project 0.00060.

Submissions (2):

Labcorp Genetics (formerly Invitae), Labcorp
Classification: Likely benign for 3-methylcrotonyl-CoA carboxylase 2 deficiency. Last evaluated: 2026-01-17. Review status: criteria provided, single submitter. Criteria: Invitae Variant Classification Sherloc (09022015). Collection method: clinical testing. Allele origin: germline.

PreventionGenetics, part of Exact Sciences
Classification: Likely benign for MCCC2-related condition. Last evaluated: 2022-08-09. Review status: no assertion criteria provided. Collection method: clinical testing. Allele origin: germline. Not counted in ClinVar's aggregate classification.
Comment: This variant is classified as likely benign based on ACMG/AMP sequence variant interpretation guidelines (Richards et al. 2015 PMID: 25741868, with internal and published modifications).

NM_022132.5(MCCC2):c.539G>A (p.Arg180Gln)

Gene: MCCC2 (methylcrotonyl-CoA carboxylase subunit 2; plus strand). Cytogenetic location: 5q13.2.
Variant type: single nucleotide variant.
Coding change: c.539G>A on transcript NM_022132.5 (MANE Select); coding-DNA position 539, G replaced by A.
Protein change: p.Arg180Gln; replaces arginine 180 with glutamine.
Molecular consequence: missense variant.
Genome position (GRCh38, 1-based): chr5:71,604,383, G>A. VCF-style: chr5-71604383-G-A. GRCh37 (hg19) VCF-style: chr5-70900210-G-A.
Other names: c.539G>A, p.Arg180Gln (NM_001363147.1); short protein forms R180Q.
Identifiers: ClinVar variation 567469 (VCV000567469.14), dbSNP rs145846295, ClinGen allele CA3297806.